The following is an entry in ClinVar:

NM_002819.5(PTBP1):c.1209C>T (p.Ala403=)

Gene: PTBP1 (polypyrimidine tract binding protein 1; plus strand). Cytogenetic location: 19p13.3.
Variant type: single nucleotide variant.
Coding change: c.1209C>T on transcript NM_002819.5 (MANE Select); coding-DNA position 1209, C replaced by T.
Protein change: p.Ala403=; no amino-acid change (alanine 403 retained).
Molecular consequence: synonymous variant.
Genome position (GRCh38, 1-based): chr19:808,415, C>T. VCF-style: chr19-808415-C-T. GRCh37 (hg19) VCF-style: chr19-808415-C-T.
Other names: c.1215C>T, p.Ala405= (NM_001411140.1); c.1188C>T, p.Ala396= (NM_031990.4); c.1131C>T, p.Ala377= (NM_031991.4).
Identifiers: ClinVar variation 2648867 (VCV002648867.24), dbSNP rs143211719, ClinGen allele CA9024381.
Genomic context (GRCh38, chr19:808,415, plus strand): 5'-TGAAGGCGTCTACGGTGACGTGCAGCGCGTGAAGATCCTGTTCAATAAGAAGGAGAACGC[C>T]CTAGTGCAGATGGCGGACGGCAACCAGGCCCAGCTGGGTAAGAGGCCGGGGCGGCCCCGG-3'
Protein context (NP_002810.1, residues 393-413): VKILFNKKEN[Ala403=]LVQMADGNQA

ClinVar aggregate classification (germline): Likely benign (1 of 4 stars; one submission).

Allele frequency attached by ClinVar (database versions not stated): ESP Exome Variant Server 0.00008; gnomAD exomes 0.00054; 1000 Genomes Project 30x 0.00062; 1000 Genomes Project 0.00080; ExAC 0.00158.

Submission:

CeGaT Center for Human Genetics Tuebingen
Classification: Likely benign. Last evaluated: 2023-04-01. Review status: criteria provided, single submitter. Criteria: CeGaT Center For Human Genetics Tuebingen Variant Classification Criteria Version 2. Collection method: clinical testing. Allele origin: germline. Affected: yes. Observed: 2 variant alleles.
Comment: PTBP1: BP4, BP7